The following is an entry in ClinVar:

NM_015346.4(ZFYVE26):c.215del (p.Pro72fs)

Gene: ZFYVE26 (zinc finger FYVE-type containing 26; minus strand). Cytogenetic location: 14q24.1.
Variant type: Deletion.
Coding change: c.215del on transcript NM_015346.4 (MANE Select); coding-DNA position 215, one base deleted (C; older notation c.215delC).
Protein change: p.Pro72fs; shifts the reading frame from proline 72.
Molecular consequence: frameshift variant.
Genome position (GRCh38, 1-based): chr14:67,814,044, G deleted on the plus strand (C on the coding strand, the reverse complement: ZFYVE26 is on the minus strand); the first of 3 consecutive G bases (chr14:67,814,044-67,814,046); deleting any one gives the same sequence. VCF-style (leftmost placement, unchanged base first): chr14-67814043-AG-A. GRCh37 (hg19) VCF-style: chr14-68280760-AG-A.
Other names: short protein forms P72fs.
Identifiers: ClinVar variation 1724614 (VCV001724614.2), dbSNP rs2502893829, ClinGen allele CA2580088646.

ClinVar aggregate classification (germline): Likely pathogenic (1 of 4 stars; one submission).

Conditions:
Hereditary spastic paraplegia 15 (SPG15). Also called: SPASTIC PARAPLEGIA 15, AUTOSOMAL RECESSIVE; KJELLIN SYNDROME; SPASTIC PARAPLEGIA AND RETINAL DEGENERATION. Identifiers: Orphanet 100996, MedGen C1849128, MONDO:0010044, OMIM 270700.

Submission:

Myriad Genetics, Inc.
Classification: Likely pathogenic for Hereditary spastic paraplegia 15. Last evaluated: 2022-02-21. Review status: criteria provided, single submitter. Criteria: Myriad Women's Health Autosomal Recessive and X-Linked Classification Criteria (2021). Collection method: clinical testing. Allele origin: unknown.
Comment: NM_015346.3(ZFYVE26):c.215delC(P72Lfs*4) is expected to be pathogenic in the context of spastic paraplegia type 15. This variant is predicted to lead to an abnormal or absent protein product due to the creation of a premature termination codon in ZFYVE26, a gene where loss-of-function variants are known to be pathogenic. Please note: this variant was assessed in the context of healthy population screening.